The following is an entry in ClinVar:

NM_198060.4(NRAP):c.2441G>A (p.Arg814Lys)

Gene: NRAP (nebulin related anchoring protein; minus strand). Cytogenetic location: 10q25.3.
Variant type: single nucleotide variant.
Coding change: c.2441G>A on transcript NM_198060.4 (MANE Select); coding-DNA position 2441, G replaced by A.
Protein change: p.Arg814Lys; replaces arginine 814 with lysine.
Molecular consequence: missense variant. On other transcripts: intron variant (1).
Genome position (GRCh38, 1-based): chr10:113,623,545, C>T on the plus strand (G>A on the coding strand, the complement: NRAP is on the minus strand). VCF-style: chr10-113623545-C-T. GRCh37 (hg19) VCF-style: chr10-115383304-C-T.
Other names: c.2441G>A, p.Arg814Lys (NM_001261463.2); c.2336G>A, p.Arg779Lys (NM_006175.5); c.2349+1281G>A (NM_001322945.2); short protein forms R779K, R814K.
Identifiers: ClinVar variation 2361523 (VCV002361523.9), dbSNP rs146676158, ClinGen allele CA5695182.

ClinVar aggregate classification (germline): Conflicting classifications of pathogenicity. Review status: criteria provided, conflicting classifications (1 of 4 stars). 3 submissions from 3 submitters: Uncertain significance (1); Likely benign (2). Last evaluated 2025-09-01.

Conditions:
Inborn genetic diseases. Identifiers: MedGen C0950123, MeSH D030342.

Allele frequency attached by ClinVar (database versions not stated): gnomAD 0.00025; gnomAD exomes 0.00025; ExAC 0.00026; TOPMed 0.00026; ESP Exome Variant Server 0.00038.
gnomAD v4.1: 440 of 1,613,210 alleles (0.027%); highest among the groups gnomAD compares: Non-Finnish European, 0.0053%; 2 homozygotes.

Submissions (3):

CeGaT Center for Human Genetics Tuebingen
Classification: Likely benign. Last evaluated: 2025-09-01. Review status: criteria provided, single submitter. Criteria: CeGaT Center For Human Genetics Tuebingen Variant Classification Criteria Version 2. Collection method: clinical testing. Allele origin: germline. Affected: yes. Observed: 1 variant allele.
Comment: NRAP: BS1

Blueprint Genetics
Classification: Likely benign. Last evaluated: 2024-10-30. Review status: criteria provided, single submitter. Criteria: ACMG Guidelines, 2015. Collection method: clinical testing. Allele origin: germline.

Ambry Genetics
Classification: Uncertain significance for Inborn genetic diseases. Last evaluated: 2021-08-09. Review status: criteria provided, single submitter. Criteria: Ambry Variant Classification Scheme 2023. Collection method: clinical testing. Allele origin: germline.